The following is an entry in ClinVar:

NM_000548.5(TSC2):c.861G>C (p.Glu287Asp)

Gene: TSC2 (TSC complex subunit 2; plus strand). Cytogenetic location: 16p13.3.
Variant type: single nucleotide variant.
Coding change: c.861G>C on transcript NM_000548.5 (MANE Select); coding-DNA position 861, G replaced by C.
Protein change: p.Glu287Asp; replaces glutamic acid 287 with aspartic acid.
Molecular consequence: missense variant.
Genome position (GRCh38, 1-based): chr16:2,058,759, G>C. VCF-style: chr16-2058759-G-C. GRCh37 (hg19) VCF-style: chr16-2108760-G-C.
Other names: c.861G>C, p.Glu287Asp (NM_001077183.3, NM_001114382.3, NM_001363528.2 and 3 more transcripts); c.750G>C, p.Glu250Asp (NM_001318827.2); c.714G>C, p.Glu238Asp (NM_001318829.2); c.261G>C, p.Glu87Asp (NM_001318831.2); c.894G>C, p.Glu298Asp (NM_001318832.2); c.861G>C (NM_000548.4); short protein forms E287D, E238D, E250D, E87D, E298D.
Identifiers: ClinVar variation 238095 (VCV000238095.25), dbSNP rs192567788, ClinGen allele CA056597.

ClinVar aggregate classification (germline): Conflicting classifications of pathogenicity. Review status: criteria provided, conflicting classifications (1 of 4 stars). 11 submissions from 11 submitters: Uncertain significance (1); Benign (3); Likely benign (6). 1 of the submissions does not count toward it. Last evaluated 2026-02-02.

Conditions:
Tuberous sclerosis 2 (TSC2). Identifiers: Orphanet 805, MedGen C1860707, MONDO:0013199, OMIM 613254.
Isolated focal cortical dysplasia type II (FCORD2). Also called: Focal cortical dysplasia type II; CORTICAL DYSPLASIA OF TAYLOR. Identifiers: Orphanet 268994, MedGen C1846385, MONDO:0011818, OMIM 607341, HP:0032051.
Lymphangiomyomatosis (LAM). Also called: Lymphangioleiomyomatosis, somatic; Lymphangioleiomyomatosis. Identifiers: Orphanet 538, MedGen C0751674, MONDO:0011705, OMIM 606690.
TSC2-related disorder. Also called: TSC2-Related Disorders; TSC2-related condition.
Hereditary cancer-predisposing syndrome. Also called: Neoplastic Syndromes, Hereditary; Hereditary Cancer Syndrome; Tumor predisposition; Hereditary neoplastic syndrome. Identifiers: Orphanet 140162, MedGen C0027672, MeSH D009386, MONDO:0015356.
Tuberous sclerosis syndrome (TSC). Also called: Tuberous Sclerosis Complex; Tuberous sclerosis. Identifiers: Orphanet 805, MedGen C0041341, MONDO:0001734.

Allele frequency attached by ClinVar (database versions not stated): gnomAD 0.00004; TOPMed 0.00009; 1000 Genomes Project 0.00020; 1000 Genomes Project 30x 0.00031.
gnomAD v4.1: 38 of 1,584,232 alleles (0.0024%); highest among the groups gnomAD compares: Admixed American, 0.035%; no homozygotes.

Submissions (11):

Labcorp Genetics (formerly Invitae), Labcorp
Classification: Benign for Tuberous sclerosis 2. Last evaluated: 2026-02-02. Review status: criteria provided, single submitter. Criteria: Invitae Variant Classification Sherloc (09022015). Collection method: clinical testing. Allele origin: germline.

Blueprint Genetics
Classification: Benign. Last evaluated: 2023-06-20. Review status: criteria provided, single submitter. Criteria: ACMG Guidelines, 2015. Collection method: clinical testing. Allele origin: germline.

Women's Health and Genetics/Laboratory Corporation of America, LabCorp
Classification: Uncertain significance. Last evaluated: 2023-03-30. Review status: criteria provided, single submitter. Criteria: LabCorp Variant Classification Summary - May 2015. Collection method: clinical testing. Allele origin: germline.

Color Diagnostics, LLC DBA Color Health
Classification: Likely benign for Tuberous sclerosis syndrome. Last evaluated: 2022-09-14. Review status: criteria provided, single submitter. Criteria: ACMG Guidelines, 2015. Collection method: clinical testing. Allele origin: germline.

Sema4
Classification: Likely benign for Hereditary cancer-predisposing syndrome. Last evaluated: 2022-01-06. Review status: criteria provided, single submitter. Criteria: Sema4 Curation Guidelines. Collection method: curation. Allele origin: germline.

Fulgent Genetics
Classification: Likely benign for Lymphangiomyomatosis; Isolated focal cortical dysplasia type II; Tuberous sclerosis 2. Last evaluated: 2022-01-05. Review status: criteria provided, single submitter. Criteria: ACMG Guidelines, 2015. Collection method: clinical testing. Allele origin: unknown.

Genome-Nilou Lab
Classification: Benign for Tuberous sclerosis 2. Last evaluated: 2021-11-07. Review status: criteria provided, single submitter. Criteria: ACMG Guidelines, 2015. Collection method: clinical testing. Allele origin: germline. Affected: no.

Ambry Genetics
Classification: Likely benign for Hereditary cancer-predisposing syndrome. Last evaluated: 2021-11-04. Review status: criteria provided, single submitter. Criteria: Ambry Variant Classification Scheme 2023. Collection method: clinical testing. Allele origin: germline.

GeneDx
Classification: Likely benign. Last evaluated: 2018-01-11. Review status: criteria provided, single submitter. Criteria: GeneDx Variant Classification (06012015). Collection method: clinical testing. Allele origin: germline. Affected: yes.
Comment: This variant is considered likely benign or benign based on one or more of the following criteria: it is a conservative change, it occurs at a poorly conserved position in the protein, it is predicted to be benign by multiple in silico algorithms, and/or has population frequency not consistent with disease.

Center for Genomics, Ann and Robert H. Lurie Children's Hospital of Chicago
Classification: Likely benign for Lymphangiomyomatosis; Isolated focal cortical dysplasia type II; Tuberous sclerosis 2. Review status: criteria provided, single submitter. Criteria: ACMG Guidelines, 2015. Collection method: clinical testing. Allele origin: germline.
Comment: This variant has not been reported in the literature but is present in the Genome Aggregation Database (Highest reported MAF 0.03% (5/15288). This variant is present in ClinVar, with several labs classifying this variant as Likely Benign or Benign (Variation ID:238095). Evolutionary conservation and computational predictive tools suggest that this variant may not impact the protein. In summary, data on this variant suggests that this variant does not cause disease but requires further evidence. Therefore, this variant is classified as likely benign.

PreventionGenetics, part of Exact Sciences
Classification: Likely benign for TSC2-related condition. Last evaluated: 2021-12-02. Review status: no assertion criteria provided. Collection method: clinical testing. Allele origin: germline. Not counted in ClinVar's aggregate classification.
Comment: This variant is classified as likely benign based on ACMG/AMP sequence variant interpretation guidelines (Richards et al. 2015 PMID: 25741868, with internal and published modifications).

Literature cited by the submitters: PubMed 28518168 (cited by Ambry Genetics); PubMed 32461654 (cited by Ambry Genetics).